The following is an entry in ClinVar:

ClinVar aggregate classification (germline): Conflicting classifications of pathogenicity. Review status: criteria provided, conflicting classifications (1 of 4 stars). 2 submissions from 2 submitters: Uncertain significance (1); Likely benign (1). Last evaluated 2025-07-29.

Conditions:
Cardiomyopathy (CMYO). Also called: Cardiomyopathies. Identifiers: Orphanet 167848, MedGen C0878544, MONDO:0004994, HP:0001638. Inheritance: Various modes of inheritance.
Arrhythmogenic right ventricular dysplasia 9 (ARVD9). Also called: Arrhythmogenic Right Ventricular Dysplasia/Cardiomyopathy 9; ARRHYTHMOGENIC RIGHT VENTRICULAR DYSPLASIA, FAMILIAL, 9. Identifiers: MedGen C1836906, MONDO:0012180, OMIM 609040.

Submissions (2):

Labcorp Genetics (formerly Invitae), Labcorp
Classification: Likely benign for Arrhythmogenic right ventricular dysplasia 9. Last evaluated: 2025-07-29. Review status: criteria provided, single submitter. Criteria: Invitae Variant Classification Sherloc (09022015). Collection method: clinical testing. Allele origin: germline.

Color Diagnostics, LLC DBA Color Health
Classification: Uncertain significance for Cardiomyopathy. Last evaluated: 2024-06-06. Review status: criteria provided, single submitter. Criteria: ACMG Guidelines, 2015. Collection method: clinical testing. Allele origin: germline.
Comment: This variant causes a deletion of seven nucleotides in intron 7 splice acceptor site of the PKP2 gene. To our knowledge, functional studies have not been reported for this variant. This variant has not been reported in individuals affected with cardiovascular disorders in the literature. This variant has been identified in 1/249592 chromosomes in the general population by the Genome Aggregation Database (gnomAD). The available evidence is insufficient to determine the role of this variant in disease conclusively. Therefore, this variant is classified as a Variant of Uncertain Significance.

NM_001005242.3(PKP2):c.1557-14_1557-8del

Gene: PKP2 (plakophilin 2; minus strand). Cytogenetic location: 12p11.21.
Variant type: Microsatellite.
Coding change: c.1557-14_1557-8del on transcript NM_001005242.3 (MANE Select); 14 bases into the intron before coding-DNA position 1557 through 8 bases into the intron before coding-DNA position 1557, 7 bases deleted (GTTTTTT; older notation c.1557-14_1557-8delGTTTTTT).
Molecular consequence: intron variant.
Genome position (GRCh38, 1-based): chr12:32,824,170-32,824,176, AAAAAAC deleted on the plus strand (GTTTTTT on the coding strand, the reverse complement: PKP2 is on the minus strand); deleting any 7 consecutive bases within chr12:32,824,170-32,824,189 gives the same sequence; the c. name uses the placement nearest the transcript's 3' end. VCF-style (leftmost placement, unchanged base first): chr12-32824169-GAAAAAAC-G. GRCh37 (hg19) VCF-style: chr12-32977103-GAAAAAAC-G.
Other names: c.1689-14_1689-8del (NM_004572.4).
Identifiers: ClinVar variation 1331782 (VCV001331782.11), dbSNP rs1220372775, ClinGen allele CA604225999.